The following is an entry in ClinVar:

ClinVar aggregate classification (germline): Uncertain significance. Review status: criteria provided, multiple submitters, no conflicts (2 of 4 stars). 2 submissions from 2 submitters: Uncertain significance (2). Last evaluated 2024-03-04.

Allele frequency attached by ClinVar (database versions not stated): gnomAD exomes 0.00002; TOPMed 0.00002.
gnomAD v4.1: 25 of 1,549,150 alleles (0.0016%); highest among the groups gnomAD compares: South Asian, 0.0024%; no homozygotes.

Submissions (2):

Labcorp Genetics (formerly Invitae), Labcorp
Classification: Uncertain significance. Last evaluated: 2024-03-04. Review status: criteria provided, single submitter. Criteria: Invitae Variant Classification Sherloc (09022015). Collection method: clinical testing. Allele origin: germline.
Comment: This sequence change replaces arginine, which is basic and polar, with glutamine, which is neutral and polar, at codon 1142 of the MYH7B protein (p.Arg1142Gln). This variant is not present in population databases (gnomAD no frequency). This variant has not been reported in the literature in individuals affected with MYH7B-related conditions. ClinVar contains an entry for this variant (Variation ID: 1482570). Advanced modeling of protein sequence and biophysical properties (such as structural, functional, and spatial information, amino acid conservation, physicochemical variation, residue mobility, and thermodynamic stability) performed at Invitae indicates that this missense variant is not expected to disrupt MYH7B protein function with a negative predictive value of 80%. In summary, the available evidence is currently insufficient to determine the role of this variant in disease. Therefore, it has been classified as a Variant of Uncertain Significance.

Ambry Genetics
Classification: Uncertain significance. Last evaluated: 2023-12-19. Review status: criteria provided, single submitter. Criteria: Ambry Variant Classification Scheme 2023. Collection method: clinical testing. Allele origin: germline.

NM_020884.7(MYH7B):c.3299G>A (p.Arg1100Gln)

Gene: MYH7B (myosin heavy chain 7B; plus strand). Cytogenetic location: 20q11.22.
Variant type: single nucleotide variant.
Coding change: c.3299G>A on transcript NM_020884.7 (MANE Select); coding-DNA position 3299, G replaced by A.
Protein change: p.Arg1100Gln; replaces arginine 1100 with glutamine.
Molecular consequence: missense variant.
Genome position (GRCh38, 1-based): chr20:34,997,115, G>A. VCF-style: chr20-34997115-G-A. GRCh37 (hg19) VCF-style: chr20-33584918-G-A.
Other names: c.3425G>A (NM_020884.3); short protein forms R1100Q.
Identifiers: ClinVar variation 1482570 (VCV001482570.7), dbSNP rs1295031381, ClinGen allele CA408710710.
Genomic context (GRCh38, chr20:34,997,115, plus strand): 5'-TGCTGGCCACCCACTCTGTGGCTCCCAGGAAGGACTCCGAGCTGAGCCAGCTGAGCCTGC[G>A]GGTGGAAGACGAGCAGCTCTTGGGGGCCCAGATGCAGAAGAAGATCAAGGAGCTGCAGGT-3'
Protein context (NP_065935.4, residues 1090-1110): KDSELSQLSL[Arg1100Gln]VEDEQLLGAQ